The following is an entry in ClinVar:

ClinVar aggregate classification (germline): Uncertain significance (1 of 4 stars; one submission).

gnomAD v4.1: 19 of 1,584,950 alleles (0.0012%); highest among the groups gnomAD compares: African/African-American, 0.02%; no homozygotes.

Submission:

GeneDx
Classification: Uncertain significance. Last evaluated: 2026-02-24. Review status: criteria provided, single submitter. Criteria: GeneDx Variant Classification Process June 2021. Collection method: clinical testing. Allele origin: germline.
Comment: In silico analysis suggests that this missense variant does not alter protein structure/function; Has not been previously published as pathogenic or benign to our knowledge

NM_003922.4(HERC1):c.10024C>G (p.Leu3342Val)

Gene: HERC1 (HECT and RLD domain containing E3 ubiquitin protein ligase family member 1; minus strand). Cytogenetic location: 15q22.31.
Variant type: single nucleotide variant.
Coding change: c.10024C>G on transcript NM_003922.4 (MANE Select); coding-DNA position 10024, C replaced by G.
Protein change: p.Leu3342Val; replaces leucine 3342 with valine.
Molecular consequence: missense variant.
Genome position (GRCh38, 1-based): chr15:63,655,802, G>C on the plus strand (C>G on the coding strand, the complement: HERC1 is on the minus strand). VCF-style: chr15-63655802-G-C. GRCh37 (hg19) VCF-style: chr15-63948001-G-C.
Other names: short protein forms L3342V.
Identifiers: ClinVar variation 5010050 (VCV005010050.1).